The following is an entry in ClinVar:

ClinVar aggregate classification (germline): Uncertain significance (1 of 4 stars; one submission).

Allele frequency attached by ClinVar (database versions not stated): gnomAD 0.00001; TOPMed 0.00002.

Submission:

Labcorp Genetics (formerly Invitae), Labcorp
Classification: Uncertain significance. Last evaluated: 2022-06-13. Review status: criteria provided, single submitter. Criteria: Invitae Variant Classification Sherloc (09022015). Collection method: clinical testing. Allele origin: germline.
Comment: In summary, the available evidence is currently insufficient to determine the role of this variant in disease. Therefore, it has been classified as a Variant of Uncertain Significance. Algorithms developed to predict the effect of missense changes on protein structure and function (SIFT, PolyPhen-2, Align-GVGD) all suggest that this variant is likely to be disruptive. This variant has not been reported in the literature in individuals affected with PLK4-related conditions. This variant is not present in population databases (gnomAD no frequency). This sequence change replaces methionine, which is neutral and non-polar, with threonine, which is neutral and polar, at codon 148 of the PLK4 protein (p.Met148Thr).

NM_014264.5(PLK4):c.443T>C (p.Met148Thr)

Gene: PLK4 (polo like kinase 4; plus strand). Cytogenetic location: 4q28.1.
Variant type: single nucleotide variant.
Coding change: c.443T>C on transcript NM_014264.5 (MANE Select); coding-DNA position 443, T replaced by C.
Protein change: p.Met148Thr; replaces methionine 148 with threonine.
Molecular consequence: missense variant.
Genome position (GRCh38, 1-based): chr4:127,885,813, T>C. VCF-style: chr4-127885813-T-C. GRCh37 (hg19) VCF-style: chr4-128806968-T-C.
Other names: c.347T>C, p.Met116Thr (NM_001190799.2); c.320T>C, p.Met107Thr (NM_001190801.2); short protein forms M116T, M148T, M107T.
Identifiers: ClinVar variation 1522730 (VCV001522730.6), dbSNP rs1002327150, ClinGen allele CA105689458.